The following is an entry in ClinVar:

NM_152564.5(VPS13B):c.133G>T (p.Asp45Tyr)

Gene: VPS13B (vacuolar protein sorting 13 homolog B; plus strand). Cytogenetic location: 8q22.2.
Variant type: single nucleotide variant.
Coding change: c.133G>T on transcript NM_152564.5 (MANE Select); coding-DNA position 133, G replaced by T.
Protein change: p.Asp45Tyr; replaces aspartic acid 45 with tyrosine.
Molecular consequence: missense variant. On other transcripts: non-coding transcript variant (1).
Genome position (GRCh38, 1-based): chr8:99,013,921, G>T. VCF-style: chr8-99013921-G-T. GRCh37 (hg19) VCF-style: chr8-100026149-G-T.
Other names: c.133G>T, p.Asp45Tyr (NM_015243.3, NM_017890.5, NM_181661.3); short protein forms D45Y.
Identifiers: ClinVar variation 2164351 (VCV002164351.1), dbSNP rs761491720, ClinGen allele CA4822285.

ClinVar aggregate classification (germline): Uncertain significance (1 of 4 stars; one submission).

Conditions:
Cohen syndrome (COH1). Also called: Cutis verticis gyrata, retinitis pigmentosa, and sensorineural deafness; PEPPER SYNDROME. Identifiers: Orphanet 193, MedGen C0265223, MONDO:0008999, OMIM 216550.

Allele frequency attached by ClinVar (database versions not stated): ExAC 0.00001.

Submission:

Labcorp Genetics (formerly Invitae), Labcorp
Classification: Uncertain significance for Cohen syndrome. Last evaluated: 2022-08-21. Review status: criteria provided, single submitter. Criteria: Invitae Variant Classification Sherloc (09022015). Collection method: clinical testing. Allele origin: germline.
Comment: This sequence change replaces aspartic acid, which is acidic and polar, with tyrosine, which is neutral and polar, at codon 45 of the VPS13B protein (p.Asp45Tyr). This variant is present in population databases (rs761491720, gnomAD 0.0009%). This variant has not been reported in the literature in individuals affected with VPS13B-related conditions. Algorithms developed to predict the effect of missense changes on protein structure and function are either unavailable or do not agree on the potential impact of this missense change (SIFT: "Not Available"; PolyPhen-2: "Possibly Damaging"; Align-GVGD: "Not Available"). Algorithms developed to predict the effect of sequence changes on RNA splicing suggest that this variant may create or strengthen a splice site. In summary, the available evidence is currently insufficient to determine the role of this variant in disease. Therefore, it has been classified as a Variant of Uncertain Significance.